The following is an entry in ClinVar:

ClinVar aggregate classification (germline): Uncertain significance. Review status: criteria provided, multiple submitters, no conflicts (2 of 4 stars). 3 submissions from 3 submitters: Uncertain significance (3). Last evaluated 2026-01-05.

Conditions:
Age related macular degeneration 1 (ARMD1). Also called: MACULOPATHY, AGE-RELATED, 1. Identifiers: MedGen C1864205, MONDO:0011285, OMIM 603075.

Allele frequency attached by ClinVar (database versions not stated): ExAC 0.00007; gnomAD exomes 0.00007; ESP Exome Variant Server 0.00008; gnomAD 0.00017; TOPMed 0.00019; 1000 Genomes Project 30x 0.00031; 1000 Genomes Project 0.00040.
gnomAD v4.1: 73 of 1,613,208 alleles (0.0045%); highest among the groups gnomAD compares: East Asian, 0.04%; no homozygotes.

Submissions (3):

Labcorp Genetics (formerly Invitae), Labcorp
Classification: Uncertain significance. Last evaluated: 2026-01-05. Review status: criteria provided, single submitter. Criteria: Invitae Variant Classification Sherloc (09022015). Collection method: clinical testing. Allele origin: germline.
Comment: This sequence change replaces asparagine, which is neutral and polar, with serine, which is neutral and polar, at codon 1461 of the HMCN1 protein (p.Asn1461Ser). This variant is present in population databases (rs376910631, gnomAD 0.06%), and has an allele count higher than expected for a pathogenic variant. This variant has not been reported in the literature in individuals affected with HMCN1-related conditions. ClinVar contains an entry for this variant (Variation ID: 294143). An algorithm developed to predict the effect of missense changes on protein structure and function outputs the following: PolyPhen-2: "Benign". The serine amino acid residue is found in multiple mammalian species, which suggests that this missense change does not adversely affect protein function. In summary, the available evidence is currently insufficient to determine the role of this variant in disease. Therefore, it has been classified as a Variant of Uncertain Significance.

Genome-Nilou Lab
Classification: Uncertain significance for Age related macular degeneration 1. Last evaluated: 2023-04-11. Review status: criteria provided, single submitter. Criteria: ACMG Guidelines, 2015. Collection method: clinical testing. Allele origin: germline. Affected: no.

Illumina Laboratory Services, Illumina
Classification: Uncertain significance for Age related macular degeneration 1. Last evaluated: 2018-01-12. Review status: criteria provided, single submitter. Criteria: ICSL Variant Classification Criteria 13 December 2019. Collection method: clinical testing. Allele origin: germline.

NM_031935.3(HMCN1):c.4382A>G (p.Asn1461Ser)

Gene: HMCN1 (hemicentin 1; plus strand). Cytogenetic location: 1q31.1.
Variant type: single nucleotide variant.
Coding change: c.4382A>G on transcript NM_031935.3 (MANE Select); coding-DNA position 4382, A replaced by G.
Protein change: p.Asn1461Ser; replaces asparagine 1461 with serine.
Molecular consequence: missense variant.
Genome position (GRCh38, 1-based): chr1:186,003,751, A>G. VCF-style: chr1-186003751-A-G. GRCh37 (hg19) VCF-style: chr1-185972883-A-G.
Other names: short protein forms N1461S.
Identifiers: ClinVar variation 294143 (VCV000294143.11), dbSNP rs376910631, ClinGen allele CA1291987.